The following is an entry in ClinVar:

NM_001347721.2(DYRK1A):c.707T>G (p.Leu236Arg)

Gene: DYRK1A (dual specificity tyrosine phosphorylation regulated kinase 1A; plus strand). Cytogenetic location: 21q22.13.
Variant type: single nucleotide variant.
Coding change: c.707T>G on transcript NM_001347721.2 (MANE Select); coding-DNA position 707, T replaced by G.
Protein change: p.Leu236Arg; replaces leucine 236 with arginine.
Molecular consequence: missense variant.
Genome position (GRCh38, 1-based): chr21:37,490,244, T>G. VCF-style: chr21-37490244-T-G. GRCh37 (hg19) VCF-style: chr21-38862546-T-G.
Other names: c.707T>G, p.Leu236Arg (NM_001347722.2, NM_130436.2); c.620T>G, p.Leu207Arg (NM_001347723.2); c.734T>G, p.Leu245Arg (NM_001396.5, NM_101395.2, NM_130438.2); short protein forms L245R, L207R, L236R.
Identifiers: ClinVar variation 204010 (VCV000204010.6), dbSNP rs797044525, ClinGen allele CA278533.

ClinVar aggregate classification (germline): Likely pathogenic. Review status: criteria provided, multiple submitters, no conflicts (2 of 4 stars). 2 submissions from 2 submitters: Likely pathogenic (2). Last evaluated 2024-01-01.

Conditions:
DYRK1A-related intellectual disability syndrome (MRD7). Also called: DYRK1A Syndrome; Intellectual developmental disorder, autosomal dominant 7. Identifiers: Orphanet 464306, MedGen C5568143, MONDO:0013578, OMIM 614104.

Submissions (2):

Daryl Scott Lab, Baylor College of Medicine
Classification: Likely pathogenic for DYRK1A-related intellectual disability syndrome. Last evaluated: 2024-01-01. Review status: criteria provided, single submitter. Criteria: ACMG Guidelines, 2015. Collection method: clinical testing. Allele origin: de novo. Affected: yes. Observed: 1 heterozygote.
Comment: PS2, PM2, PP3

UCLA Clinical Genomics Center, UCLA
Classification: Likely pathogenic for Mental retardation, autosomal dominant 7. Last evaluated: 2014-09-15. Review status: criteria provided, single submitter. Criteria: Submitter's publication. Collection method: clinical testing. Allele origin: de novo. Inheritance: Autosomal dominant inheritance. Affected: yes. Study: DYRK1A Haploinsufficiency Syndrome.